The following is an entry in ClinVar:

NM_001130987.2(DYSF):c.1577-1852G>A

Gene: DYSF (dysferlin; plus strand). Cytogenetic location: 2p13.2.
Variant type: single nucleotide variant.
Coding change: c.1577-1852G>A on transcript NM_001130987.2 (MANE Select); 1852 bases into the intron before coding-DNA position 1577, G replaced by A.
Molecular consequence: intron variant.
Genome position (GRCh38, 1-based): chr2:71,549,189, G>A. VCF-style: chr2-71549189-G-A. GRCh37 (hg19) VCF-style: chr2-71776319-G-A.
Other names: c.1574-161G>A (NM_001130979.2); c.1574-1852G>A (NM_001130981.2, NM_001130980.2); c.1481-161G>A (NM_001130978.2, NM_003494.4); c.1481-1852G>A (NM_001130977.2, NM_001130976.2); c.1577-161G>A (NM_001130982.2); c.1577-1852G>A (NM_001130985.2); c.1484-161G>A (NM_001130983.2, NM_001130455.2); c.1484-1852G>A (NM_001130984.2, NM_001130986.2).
Identifiers: ClinVar variation 681747 (VCV000681747.2), dbSNP rs78933613, ClinGen allele CA49791104.

ClinVar aggregate classification (germline): Likely benign. Review status: criteria provided, multiple submitters, no conflicts (2 of 4 stars). 2 submissions from 2 submitters: Likely benign (2). Last evaluated 2018-06-16.

Allele frequency attached by ClinVar (database versions not stated): 1000 Genomes Project 0.01218; 1000 Genomes Project 30x 0.01249; TOPMed 0.01506; gnomAD 0.01639 and 0.01667.
gnomAD v4.1: 2,495 of 152,224 alleles (1.6%); highest among the groups gnomAD compares: Admixed American, 2.2%; 39 homozygotes.

Submissions (2):

GeneDx
Classification: Likely benign. Last evaluated: 2018-06-16. Review status: criteria provided, single submitter. Criteria: GeneDx Variant Classification (06012015). Collection method: clinical testing. Allele origin: germline. Affected: yes.
Comment: This variant is considered likely benign or benign based on one or more of the following criteria: it is a conservative change, it occurs at a poorly conserved position in the protein, it is predicted to be benign by multiple in silico algorithms, and/or has population frequency not consistent with disease.

Breakthrough Genomics
Classification: Likely benign. Review status: criteria provided, single submitter. Criteria: ACMG Guidelines, 2015. Collection method: not provided. Allele origin: germline. Inheritance: Autosomal recessive inheritance. Affected: yes.